The following is an entry in ClinVar:

ClinVar aggregate classification (germline): Uncertain significance (1 of 4 stars; one submission).

Conditions:
Spastic paraplegia. Identifiers: MedGen C0037772, HP:0001258.

Allele frequency attached by ClinVar (database versions not stated): gnomAD exomes below 0.00001; TOPMed 0.00001.
gnomAD v4.1: 3 of 1,614,198 alleles (0.00019%); highest among the groups gnomAD compares: Admixed American, 0.0033%; no homozygotes.

Submission:

Labcorp Genetics (formerly Invitae), Labcorp
Classification: Uncertain significance for Spastic paraplegia. Last evaluated: 2022-02-20. Review status: criteria provided, single submitter. Criteria: Invitae Variant Classification Sherloc (09022015). Collection method: clinical testing. Allele origin: germline.
Comment: This sequence change replaces threonine, which is neutral and polar, with alanine, which is neutral and non-polar, at codon 2316 of the ZFYVE26 protein (p.Thr2316Ala). This variant is not present in population databases (gnomAD no frequency). This variant has not been reported in the literature in individuals affected with ZFYVE26-related conditions. Algorithms developed to predict the effect of missense changes on protein structure and function output the following: SIFT: "Tolerated"; PolyPhen-2: "Benign"; Align-GVGD: "Class C0". The alanine amino acid residue is found in multiple mammalian species, which suggests that this missense change does not adversely affect protein function. In summary, the available evidence is currently insufficient to determine the role of this variant in disease. Therefore, it has been classified as a Variant of Uncertain Significance.

NM_015346.4(ZFYVE26):c.6946A>G (p.Thr2316Ala)

Gene: ZFYVE26 (zinc finger FYVE-type containing 26; minus strand). Cytogenetic location: 14q24.1.
Variant type: single nucleotide variant.
Coding change: c.6946A>G on transcript NM_015346.4 (MANE Select); coding-DNA position 6946, A replaced by G.
Protein change: p.Thr2316Ala; replaces threonine 2316 with alanine.
Molecular consequence: missense variant.
Genome position (GRCh38, 1-based): chr14:67,755,091, T>C on the plus strand (A>G on the coding strand, the complement: ZFYVE26 is on the minus strand). VCF-style: chr14-67755091-T-C. GRCh37 (hg19) VCF-style: chr14-68221808-T-C.
Other names: short protein forms T2316A.
Identifiers: ClinVar variation 1964023 (VCV001964023.2), dbSNP rs1702782496, ClinGen allele CA390160481.
Genomic context (GRCh38, chr14:67,755,091, plus strand): 5'-TCCCCTGAACCTCCAGCTACCTTGACACATCAGCTGCAGTCATCTTCTTTCTGAAGAATG[T>C]GGTTTTCTTCCTTCCAGAGCTGCGGGATGTTTCTTGGAGGTAGATCTTCAGGTGGTCCTT-3'
Protein context (NP_056161.2, residues 2306-2326): TSRSSGRKKT[Thr2316Ala]FFRKKMTAAD